The following is an entry in ClinVar:

ClinVar aggregate classification (germline): Uncertain significance. Review status: criteria provided, multiple submitters, no conflicts (2 of 4 stars). 2 submissions from 2 submitters: Uncertain significance (2). Last evaluated 2024-03-06.

Conditions:
Brugada syndrome. Also called: Sudden unexpected nocturnal death syndrome; Sudden unexplained nocturnal death syndrome; Sudden Unexplained Death Syndrome; Sudden Unexplained Nocturnal Death Syndrome (SUNDS). Identifiers: Orphanet 130, MedGen C1142166, MONDO:0015263.
Cardiovascular phenotype. Identifiers: MedGen CN230736.

Allele frequency attached by ClinVar (database versions not stated): TOPMed below 0.00001; ExAC 0.00001; gnomAD 0.00001; gnomAD exomes 0.00001.
gnomAD v4.1: 33 of 1,613,800 alleles (0.002%); highest among the groups gnomAD compares: Non-Finnish European, 0.0026%; no homozygotes.

Submissions (2):

Ambry Genetics
Classification: Uncertain significance for Cardiovascular phenotype. Last evaluated: 2024-03-06. Review status: criteria provided, single submitter. Criteria: Ambry Variant Classification Scheme 2023. Collection method: clinical testing. Allele origin: germline.
Comment: The p.I100V variant (also known as c.298A>G), located in coding exon 3 of the GPD1L gene, results from an A to G substitution at nucleotide position 298. The isoleucine at codon 100 is replaced by valine, an amino acid with highly similar properties. This amino acid position is conserved. In addition, this alteration is predicted to be tolerated by in silico analysis. Since supporting evidence is limited at this time, the clinical significance of this alteration remains unclear.

Labcorp Genetics (formerly Invitae), Labcorp
Classification: Uncertain significance for Brugada syndrome. Last evaluated: 2022-10-17. Review status: criteria provided, single submitter. Criteria: Invitae Variant Classification Sherloc (09022015). Collection method: clinical testing. Allele origin: germline.
Comment: In summary, the available evidence is currently insufficient to determine the role of this variant in disease. Therefore, it has been classified as a Variant of Uncertain Significance. Advanced modeling of protein sequence and biophysical properties (such as structural, functional, and spatial information, amino acid conservation, physicochemical variation, residue mobility, and thermodynamic stability) performed at Invitae indicates that this missense variant is not expected to disrupt GPD1L protein function. ClinVar contains an entry for this variant (Variation ID: 1016440). This variant has not been reported in the literature in individuals affected with GPD1L-related conditions. This variant is present in population databases (rs771610382, gnomAD 0.002%). This sequence change replaces isoleucine, which is neutral and non-polar, with valine, which is neutral and non-polar, at codon 100 of the GPD1L protein (p.Ile100Val).

NM_015141.4(GPD1L):c.298A>G (p.Ile100Val)

Gene: GPD1L (glycerol-3-phosphate dehydrogenase 1 like; plus strand). Cytogenetic location: 3p22.3.
Variant type: single nucleotide variant.
Coding change: c.298A>G on transcript NM_015141.4 (MANE Select); coding-DNA position 298, A replaced by G.
Protein change: p.Ile100Val; replaces isoleucine 100 with valine.
Molecular consequence: missense variant.
Genome position (GRCh38, 1-based): chr3:32,138,659, A>G. VCF-style: chr3-32138659-A-G. GRCh37 (hg19) VCF-style: chr3-32180151-A-G.
Other names: short protein forms I100V.
Identifiers: ClinVar variation 1016440 (VCV001016440.5), dbSNP rs771610382, ClinGen allele CA2296600.